The following is an entry in ClinVar:

ClinVar aggregate classification (germline): Uncertain significance. Review status: criteria provided, multiple submitters, no conflicts (2 of 4 stars). 2 submissions from 2 submitters: Uncertain significance (2). Last evaluated 2025-09-08.

Conditions:
Inborn genetic diseases. Identifiers: MedGen C0950123, MeSH D030342.
Mosaic variegated aneuploidy syndrome 1 (MVA1). Also called: Warburton-Anyane-Yeboa syndrome. Identifiers: Orphanet 1052, MedGen C1850343, MONDO:0009759, OMIM 257300.

Allele frequency attached by ClinVar (database versions not stated): TOPMed below 0.00001; gnomAD 0.00001; gnomAD exomes below 0.00001.
gnomAD v4.1: 2 of 1,614,056 alleles (0.00012%); highest among the groups gnomAD compares: Non-Finnish European, 0.00017%; no homozygotes.

Submissions (2):

Labcorp Genetics (formerly Invitae), Labcorp
Classification: Uncertain significance for Mosaic variegated aneuploidy syndrome 1. Last evaluated: 2025-09-08. Review status: criteria provided, single submitter. Criteria: Invitae Variant Classification Sherloc (09022015). Collection method: clinical testing. Allele origin: germline.
Comment: This sequence change replaces leucine, which is neutral and non-polar, with arginine, which is basic and polar, at codon 890 of the BUB1B protein (p.Leu890Arg). This variant is present in population databases (no rsID available, gnomAD 0.007%). This variant has not been reported in the literature in individuals affected with BUB1B-related conditions. ClinVar contains an entry for this variant (Variation ID: 1794527). An algorithm developed to predict the effect of missense changes on protein structure and function (PolyPhen-2) suggests that this variant is likely to be disruptive. In summary, the available evidence is currently insufficient to determine the role of this variant in disease. Therefore, it has been classified as a Variant of Uncertain Significance.

Ambry Genetics
Classification: Uncertain significance for Inborn genetic diseases. Last evaluated: 2022-03-20. Review status: criteria provided, single submitter. Criteria: Ambry Variant Classification Scheme 2023. Collection method: clinical testing. Allele origin: germline.
Comment: The p.L890R variant (also known as c.2669T>G), located in coding exon 20 of the BUB1B gene, results from a T to G substitution at nucleotide position 2669. The leucine at codon 890 is replaced by arginine, an amino acid with dissimilar properties. This amino acid position is conserved. In addition, this alteration is predicted to be deleterious by in silico analysis. Since supporting evidence is limited at this time, the clinical significance of this alteration remains unclear.

NM_001211.6(BUB1B):c.2669T>G (p.Leu890Arg)

Gene: BUB1B (BUB1 mitotic checkpoint serine/threonine kinase B; plus strand). Cytogenetic location: 15q15.1.
Variant type: single nucleotide variant.
Coding change: c.2669T>G on transcript NM_001211.6 (MANE Select); coding-DNA position 2669, T replaced by G.
Protein change: p.Leu890Arg; replaces leucine 890 with arginine.
Molecular consequence: missense variant.
Genome position (GRCh38, 1-based): chr15:40,213,465, T>G. VCF-style: chr15-40213465-T-G. GRCh37 (hg19) VCF-style: chr15-40505666-T-G.
Other names: short protein forms L890R.
Identifiers: ClinVar variation 1794527 (VCV001794527.5), dbSNP rs1271669859, ClinGen allele CA391686607.